The following is an entry in ClinVar:

NM_213655.5(WNK1):c.2783A>G (p.Tyr928Cys)

Gene: WNK1 (WNK lysine deficient protein kinase 1; plus strand). Cytogenetic location: 12p13.33.
Variant type: single nucleotide variant.
Coding change: c.2783A>G on transcript NM_213655.5 (MANE Plus Clinical); coding-DNA position 2783, A replaced by G.
Protein change: p.Tyr928Cys; replaces tyrosine 928 with cysteine.
Molecular consequence: missense variant. On other transcripts: intron variant (2).
Genome position (GRCh38, 1-based): chr12:868,254, A>G. VCF-style: chr12-868254-A-G. GRCh37 (hg19) VCF-style: chr12-977420-A-G.
Other names: c.2528A>G, p.Tyr843Cys (NM_001184985.2); c.2140-3011A>G (NM_018979.4, NM_014823.3); short protein forms Y928C, Y843C.
Identifiers: ClinVar variation 2937036 (VCV002937036.3), dbSNP rs375482581, ClinGen allele CA231498829.

ClinVar aggregate classification (germline): Uncertain significance (1 of 4 stars; one submission).

Conditions:
Neuropathy, hereditary sensory and autonomic, type 2A (HSAN2A). Also called: ACROOSTEOLYSIS, GIACCAI TYPE; ACROOSTEOLYSIS, NEUROGENIC; MORVAN DISEASE; NEUROPATHY, CONGENITAL SENSORY; NEUROPATHY, HEREDITARY SENSORY RADICULAR, AUTOSOMAL RECESSIVE; NEUROPATHY, HEREDITARY SENSORY, TYPE IIA. Identifiers: Orphanet 970, MedGen C2752089, MONDO:0024309, OMIM 201300.
Pseudohypoaldosteronism type 2C (PHA2C). Also called: Pseudohypoaldosteronism Type IIC. Identifiers: Orphanet 757, Orphanet 88940, MedGen C1840391, MONDO:0013778, OMIM 614492.

Allele frequency attached by ClinVar (database versions not stated): ESP Exome Variant Server 0.00008.
gnomAD v4.1: 1 of 1,601,952 alleles (0.000062%); highest among the groups gnomAD compares: Non-Finnish European, 0.000085%; no homozygotes.

Submission:

Labcorp Genetics (formerly Invitae), Labcorp
Classification: Uncertain significance for Neuropathy, hereditary sensory and autonomic, type 2A; Pseudohypoaldosteronism type 2C. Last evaluated: 2023-02-13. Review status: criteria provided, single submitter. Criteria: Invitae Variant Classification Sherloc (09022015). Collection method: clinical testing. Allele origin: germline.
Comment: This sequence change replaces tyrosine, which is neutral and polar, with cysteine, which is neutral and slightly polar, at codon 928 of the WNK1 protein (p.Tyr928Cys). This variant is present in population databases (rs375482581, gnomAD 0.001%). In summary, the available evidence is currently insufficient to determine the role of this variant in disease. Therefore, it has been classified as a Variant of Uncertain Significance. Advanced modeling of protein sequence and biophysical properties (such as structural, functional, and spatial information, amino acid conservation, physicochemical variation, residue mobility, and thermodynamic stability) performed at Invitae indicates that this missense variant is not expected to disrupt WNK1 protein function. This variant has not been reported in the literature in individuals affected with WNK1-related conditions.